The following is an entry in ClinVar:

NM_000051.4(ATM):c.7330G>A (p.Glu2444Lys)

Genes: C11orf65 (chromosome 11 open reading frame 65; minus strand), ATM (ATM serine/threonine kinase; plus strand). Cytogenetic location: 11q22.3.
Variant type: single nucleotide variant.
Coding change: c.7330G>A on transcript NM_000051.4 (MANE Select); coding-DNA position 7330, G replaced by A.
Protein change: p.Glu2444Lys; replaces glutamic acid 2444 with lysine.
Molecular consequence: missense variant. On other transcripts: intron variant (2).
Genome position (GRCh38, 1-based): chr11:108,330,236, G>A. VCF-style: chr11-108330236-G-A. GRCh37 (hg19) VCF-style: chr11-108200963-G-A.
Other names: c.7330G>A, p.Glu2444Lys (NM_001351834.2); c.641-21165C>T (NM_001330368.2); c.*38+4984C>T (NM_001351110.2); short protein forms E2444K.
Identifiers: ClinVar variation 1515470 (VCV001515470.9), dbSNP rs2136453151, ClinGen allele CA382559899.

ClinVar aggregate classification (germline): Uncertain significance. Review status: criteria provided, multiple submitters, no conflicts (2 of 4 stars). 2 submissions from 2 submitters: Uncertain significance (2). Last evaluated 2025-12-30.

Conditions:
Hereditary cancer-predisposing syndrome. Also called: Neoplastic Syndromes, Hereditary; Tumor predisposition; Hereditary Cancer Syndrome; Hereditary neoplastic syndrome. Identifiers: Orphanet 140162, MedGen C0027672, MeSH D009386, MONDO:0015356.
Ataxia-telangiectasia syndrome (AT). Also called: LOUIS-BAR SYNDROME; Cerebello-oculocutaneous telangiectasia; Immunodeficiency with ataxia telangiectasia; Ataxia telangiectasia (A-T); Ataxia-telangiectasia, complementation group D; AT, COMPLEMENTATION GROUP C. Identifiers: Orphanet 100, MedGen C0004135, MONDO:0008840, OMIM 208900.

Submissions (2):

Labcorp Genetics (formerly Invitae), Labcorp
Classification: Uncertain significance for Ataxia-telangiectasia syndrome. Last evaluated: 2025-12-30. Review status: criteria provided, single submitter. Criteria: Invitae Variant Classification Sherloc (09022015). Collection method: clinical testing. Allele origin: germline.
Comment: This sequence change replaces glutamic acid, which is acidic and polar, with lysine, which is basic and polar, at codon 2444 of the ATM protein (p.Glu2444Lys). This variant is not present in population databases (gnomAD no frequency). This missense change has been observed in individual(s) with breast cancer (PMID: 32994724). ClinVar contains an entry for this variant (Variation ID: 1515470). Invitae Evidence Modeling of protein sequence and biophysical properties (such as structural, functional, and spatial information, amino acid conservation, physicochemical variation, residue mobility, and thermodynamic stability) has been performed for this missense variant. However, the output from this modeling did not meet the statistical confidence thresholds required to predict the impact of this variant on ATM protein function. In summary, the available evidence is currently insufficient to determine the role of this variant in disease. Therefore, it has been classified as a Variant of Uncertain Significance.

Ambry Genetics
Classification: Uncertain significance for Hereditary cancer-predisposing syndrome. Last evaluated: 2025-12-04. Review status: criteria provided, single submitter. Criteria: Ambry Variant Classification Scheme 2023. Collection method: clinical testing. Allele origin: germline.
Comment: The p.E2444K variant (also known as c.7330G>A), located in coding exon 49 of the ATM gene, results from a G to A substitution at nucleotide position 7330. The glutamic acid at codon 2444 is replaced by lysine, an amino acid with similar properties. In an assay testing ATM function, this variant showed a functionally abnormal result (Lee KS et al. Cell, 2025 Sep;188:5081-5099.e27). This amino acid position is highly conserved in available vertebrate species. In addition, this alteration is predicted to be deleterious by in silico analysis. Based on the available evidence, the clinical significance of this variant remains unclear.

Literature cited by the submitters: PubMed 32994724 (cited by Labcorp Genetics (formerly Invitae), Labcorp and Ambry Genetics); PubMed 40580951 (cited by Ambry Genetics).